The following is an entry in ClinVar:

NM_032228.6(FAR1):c.406A>G (p.Ile136Val)

Gene: FAR1 (fatty acyl-CoA reductase 1; plus strand). Cytogenetic location: 11p15.3.
Variant type: single nucleotide variant.
Coding change: c.406A>G on transcript NM_032228.6 (MANE Select); coding-DNA position 406, A replaced by G.
Protein change: p.Ile136Val; replaces isoleucine 136 with valine.
Molecular consequence: missense variant.
Genome position (GRCh38, 1-based): chr11:13,707,940, A>G. VCF-style: chr11-13707940-A-G. GRCh37 (hg19) VCF-style: chr11-13729487-A-G.
Other names: short protein forms I136V.
Identifiers: ClinVar variation 1347886 (VCV001347886.6), dbSNP rs1848451900, ClinGen allele CA379856628.
Genomic context (GRCh38, chr11:13,707,940, plus strand): 5'-CACTTTTTCTTTTTAAACAGAGATGCTGTTCAGTTAAATGTGATTGCAACGCGACAGCTT[A>G]TTCTCCTTGCACAACAAATGAAGAATCTGGAAGTGTTCATGCATGTATCAACAGCATATG-3'
Protein context (NP_115604.1, residues 126-146): QLNVIATRQL[Ile136Val]LLAQQMKNLE

ClinVar aggregate classification (germline): Uncertain significance (1 of 4 stars; one submission).

Submission:

Labcorp Genetics (formerly Invitae), Labcorp
Classification: Uncertain significance. Last evaluated: 2025-03-16. Review status: criteria provided, single submitter. Criteria: Invitae Variant Classification Sherloc (09022015). Collection method: clinical testing. Allele origin: germline.
Comment: This sequence change replaces isoleucine, which is neutral and non-polar, with valine, which is neutral and non-polar, at codon 136 of the FAR1 protein (p.Ile136Val). This variant is not present in population databases (gnomAD no frequency). This variant has not been reported in the literature in individuals affected with FAR1-related conditions. ClinVar contains an entry for this variant (Variation ID: 1347886). Invitae Evidence Modeling of protein sequence and biophysical properties (such as structural, functional, and spatial information, amino acid conservation, physicochemical variation, residue mobility, and thermodynamic stability) indicates that this missense variant is not expected to disrupt FAR1 protein function with a negative predictive value of 80%. In summary, the available evidence is currently insufficient to determine the role of this variant in disease. Therefore, it has been classified as a Variant of Uncertain Significance.